The following is an entry in ClinVar:

NM_000384.3(APOB):c.1618-2A>C

Gene: APOB (apolipoprotein B; minus strand). Cytogenetic location: 2p24.1.
Variant type: single nucleotide variant.
Coding change: c.1618-2A>C on transcript NM_000384.3 (MANE Select); the canonical splice acceptor site of the intron before coding-DNA position 1618, A replaced by C.
Molecular consequence: splice acceptor variant.
Genome position (GRCh38, 1-based): chr2:21,028,540, T>G on the plus strand (A>C on the coding strand, the complement: APOB is on the minus strand). VCF-style: chr2-21028540-T-G. GRCh37 (hg19) VCF-style: chr2-21251412-T-G.
Identifiers: ClinVar variation 2931646 (VCV002931646.4), dbSNP rs373251374, ClinGen allele CA054151.

ClinVar aggregate classification (germline): Likely pathogenic. Review status: criteria provided, multiple submitters, no conflicts (2 of 4 stars). 2 submissions from 2 submitters: Likely pathogenic (2). Last evaluated 2026-07-30.

Conditions:
Familial hypobetalipoproteinemia 1. Also called: APOB-Related Familial Hypobetalipoproteinemia; Hypobetalipoproteinemia, normotriglyceridemic; Acanthocytosis with hypobetalipoproteinemia. Identifiers: MedGen C4551990, MONDO:0014252, OMIM 615558.
Hypercholesterolemia, autosomal dominant, type B (FHCL2). Also called: Familial hypercholesterolemia 2; Hyperlipoproteinemia Type IIb; Familial Hypercholesterolemia Type B; APOB-Related Familial Hypercholesterolemia, Autosomal Dominant; APOLIPOPROTEIN B-100, FAMILIAL DEFECTIVE; APOLIPOPROTEIN B-100, FAMILIAL LIGAND-DEFECTIVE. Identifiers: MedGen C1704417, MONDO:0007751, OMIM 144010.
Cardiovascular phenotype. Identifiers: MedGen CN230736.

Allele frequency attached by ClinVar (database versions not stated): gnomAD exomes 0.00001; ESP Exome Variant Server 0.00008; ExAC 0.00001.
gnomAD v4.1: 7 of 1,607,438 alleles (0.00044%); highest among the groups gnomAD compares: South Asian, 0.0011%; no homozygotes.

Submissions (2):

Ambry Genetics
Classification: Likely pathogenic for Cardiovascular phenotype. Last evaluated: 2026-07-30. Review status: criteria provided, single submitter. Criteria: Ambry Variant Classification Scheme 2023. Collection method: clinical testing. Allele origin: germline.
Comment: The c.1618-2A>C intronic variant results from an A to C substitution two nucleotides upstream from coding exon 13 in the APOB gene. Variants that disrupt the canonical splice site are expected to result in aberrant splicing. In silico splice site analysis predicts that this alteration will weaken the native splice acceptor site and will result in the creation or strengthening of a novel splice acceptor site. A resulting transcript is predicted to be in-frame and is not expected to trigger nonsense-mediated mRNAdecay; although, direct evidence is unavailable. However, a significant portion of the protein is predicted to be impacted (Ambry internal data). This nucleotide position is highly conserved in available vertebrate species. Although biallelic loss of function of APOB has been associated with autosomal recessive hypobetalipoproteinemia, haploinsufficiency of APOB is not a mechanism of disease for autosomal dominant familial hypercholesterolemia. Based on the supporting evidence, this variant is expected to be causative of autosomal recessive APOB-related hypobetalipoproteinemia when present along with a second pathogenic variant on the other allele; however, it is unlikely to be causative of autosomal dominant familial hypercholesterolemia.

Labcorp Genetics (formerly Invitae), Labcorp
Classification: Likely pathogenic for Familial hypobetalipoproteinemia 1; Hypercholesterolemia, autosomal dominant, type B. Last evaluated: 2023-06-25. Review status: criteria provided, single submitter. Criteria: Invitae Variant Classification Sherloc (09022015). Collection method: clinical testing. Allele origin: germline.
Comment: This sequence change affects an acceptor splice site in intron 12 of the APOB gene. It is expected to disrupt RNA splicing. Variants that disrupt the donor or acceptor splice site typically lead to a loss of protein function (PMID: 16199547), and loss-of-function variants in APOB are known to be pathogenic (PMID: 20032471). In summary, the currently available evidence indicates that the variant is pathogenic, but additional data are needed to prove that conclusively. Therefore, this variant has been classified as Likely Pathogenic. Algorithms developed to predict the effect of sequence changes on RNA splicing suggest that this variant may disrupt the consensus splice site. ClinVar contains an entry for this variant (Variation ID: 926347). This variant has not been reported in the literature in individuals affected with APOB-related conditions. This variant is present in population databases (rs373251374, gnomAD 0.003%).

Literature cited by the submitters: PubMed 16199547 (cited by Labcorp Genetics (formerly Invitae), Labcorp); PubMed 20032471 (cited by Labcorp Genetics (formerly Invitae), Labcorp).